The following is an entry in ClinVar:

ClinVar aggregate classification (germline): Pathogenic (1 of 4 stars; one submission).

Conditions:
Myopathy, proximal, and ophthalmoplegia (CMYO6). Also called: INCLUSION BODY MYOPATHY 3, AUTOSOMAL DOMINANT; CONGENITAL MYOPATHY 6 WITH OPHTHALMOPLEGIA; MYOPATHY WITH CONGENITAL JOINT CONTRACTURES, OPHTHALMOPLEGIA, AND RIMMED VACUOLES. Identifiers: Orphanet 363677, Orphanet 79091, MedGen C1854106, MONDO:0011577, OMIM 605637.

Submission:

Labcorp Genetics (formerly Invitae), Labcorp
Classification: Pathogenic for Myopathy, proximal, and ophthalmoplegia. Last evaluated: 2022-11-25. Review status: criteria provided, single submitter. Criteria: Invitae Variant Classification Sherloc (09022015). Collection method: clinical testing. Allele origin: germline.
Comment: This sequence change creates a premature translational stop signal (p.Phe247Leufs*5) in the MYH2 gene. It is expected to result in an absent or disrupted protein product. Loss-of-function variants in MYH2 are known to be pathogenic (PMID: 20418530, 23388406, 24193343). This variant is not present in population databases (gnomAD no frequency). This variant has not been reported in the literature in individuals affected with MYH2-related conditions. For these reasons, this variant has been classified as Pathogenic.

Literature cited by the submitters: PubMed 20418530; PubMed 23388406; PubMed 24193343.

NM_017534.6(MYH2):c.732_738dup (p.Phe247fs)

Genes: MYHAS (myosin heavy chain gene cluster antisense RNA; plus strand), MYH2 (myosin heavy chain 2; minus strand), LOC126862501 (CDK7 strongly-dependent group 2 enhancer GRCh37_chr17:10446256-10447455; plus strand). Cytogenetic location: 17p13.1.
Variant type: Duplication.
Coding change: c.732_738dup on transcript NM_017534.6 (MANE Select); coding-DNA positions 732 to 738, 7 bases duplicated (CTCTCGC; older notation c.732_738dupCTCTCGC).
Protein change: p.Phe247fs; shifts the reading frame from phenylalanine 247.
Molecular consequence: frameshift variant.
Genome position (GRCh38, 1-based): chr17:10,543,714-10,543,720, GCGAGAG duplicated on the plus strand (CTCTCGC on the coding strand, the reverse complement: MYH2 is on the minus strand); duplicating any 7 consecutive bases within chr17:10,543,714-10,543,721 gives the same sequence; the c. name uses the placement nearest the transcript's 3' end. VCF-style (leftmost placement, unchanged base first): chr17-10543713-A-AGCGAGAG. GRCh37 (hg19) VCF-style: chr17-10447030-A-AGCGAGAG.
Other names: c.732_738dup, p.Phe247fs (NM_001100112.2); short protein forms F247fs.
Identifiers: ClinVar variation 2797941 (VCV002797941.3), dbSNP rs2508469124, ClinGen allele CA2739267136.
Genomic context (GRCh38, chr17:10,543,713, plus strand): 5'-AACATCTCATAAATTTTGACCAGTGAACAGCATCTATTAGCGTGTCCAAGAGACTTACAA[A>AGCGAGAG]GCGAGAGGAGTTGTCATTCCTCACGGTCTTGGCGTTGCCAAAGGCCTCCAGTAGGGGGTT-3'